The following is an entry in ClinVar:

NM_001844.5(COL2A1):c.1888-2A>G

Gene: COL2A1 (collagen type II alpha 1 chain; minus strand). Cytogenetic location: 12q13.11.
Variant type: single nucleotide variant.
Coding change: c.1888-2A>G on transcript NM_001844.5 (MANE Select); the canonical splice acceptor site of the intron before coding-DNA position 1888, A replaced by G.
Molecular consequence: splice acceptor variant.
Genome position (GRCh38, 1-based): chr12:47,984,142, T>C on the plus strand (A>G on the coding strand, the complement: COL2A1 is on the minus strand). VCF-style: chr12-47984142-T-C. GRCh37 (hg19) VCF-style: chr12-48377925-T-C.
Other names: c.1681-2A>G (NM_033150.3).
Identifiers: ClinVar variation 2735844 (VCV002735844.4), dbSNP rs2540141840, ClinGen allele CA384549157.

ClinVar aggregate classification (germline): Pathogenic/Likely pathogenic. Review status: criteria provided, multiple submitters, no conflicts (2 of 4 stars). 2 submissions from 2 submitters: Pathogenic (1); Likely pathogenic (1). Last evaluated 2023-11-04.

Submissions (2):

Labcorp Genetics (formerly Invitae), Labcorp
Classification: Likely pathogenic. Last evaluated: 2023-11-04. Review status: criteria provided, single submitter. Criteria: Invitae Variant Classification Sherloc (09022015). Collection method: clinical testing. Allele origin: germline.
Comment: This sequence change affects an acceptor splice site in intron 28 of the COL2A1 gene. It is expected to disrupt RNA splicing. Variants that disrupt the donor or acceptor splice site typically lead to a loss of protein function (PMID: 16199547), and loss-of-function variants in COL2A1 are known to be pathogenic (PMID: 20179744). This variant is not present in population databases (gnomAD no frequency). Disruption of this splice site has been observed in individual(s) with clinical features consistent with Stickler syndrome (PMID: 20179744; Invitae). Algorithms developed to predict the effect of sequence changes on RNA splicing suggest that this variant may disrupt the consensus splice site. In summary, the currently available evidence indicates that the variant is pathogenic, but additional data are needed to prove that conclusively. Therefore, this variant has been classified as Likely Pathogenic.

GeneDx
Classification: Pathogenic. Last evaluated: 2023-10-06. Review status: criteria provided, single submitter. Criteria: GeneDx Variant Classification Process June 2021. Collection method: clinical testing. Allele origin: germline. Affected: yes.
Comment: Damages or destroys the splice acceptor site in intron 28, and is expected to cause abnormal gene splicing; if the splice outcome is exon skip, the loss of the encoded residues in the triple helical region is expected to disrupt normal protein folding and function, and this is an established mechanism of disease (HGMD); Not observed at significant frequency in large population cohorts (gnomAD); This variant is associated with the following publications: (PMID: 25525159, 20179744)

Literature cited by the submitters: PubMed 16199547 (cited by Labcorp Genetics (formerly Invitae), Labcorp); PubMed 20179744 (cited by Labcorp Genetics (formerly Invitae), Labcorp).